The following is an entry in ClinVar:

ClinVar aggregate classification (germline): Benign/Likely benign. Review status: criteria provided, multiple submitters, no conflicts (2 of 4 stars). 5 submissions from 5 submitters: Benign (1); Likely benign (4). Last evaluated 2025-12-23.

Conditions:
DNM1-related disorder. Also called: DNM1-related condition.
Developmental and epileptic encephalopathy, 31A. Also called: Epileptic encephalopathy, early infantile, 31; Developmental and epileptic encephalopathy, 31. Identifiers: Orphanet 2382, MedGen C4225357, MONDO:0014598, OMIM 616346.

Allele frequency attached by ClinVar (database versions not stated): gnomAD exomes 0.00007 and 0.00020; 1000 Genomes Project 0.00020; 1000 Genomes Project 30x 0.00031; ExAC 0.00034; TOPMed 0.00074; gnomAD 0.00082 and 0.00090; ESP Exome Variant Server 0.00085.
gnomAD v4.1: 230 of 1,598,724 alleles (0.014%); highest among the groups gnomAD compares: African/African-American, 0.26%; no homozygotes.

Submissions (5):

Labcorp Genetics (formerly Invitae), Labcorp
Classification: Benign for Developmental and epileptic encephalopathy, 31A. Last evaluated: 2025-12-23. Review status: criteria provided, single submitter. Criteria: Invitae Variant Classification Sherloc (09022015). Collection method: clinical testing. Allele origin: germline.

PreventionGenetics, part of Exact Sciences
Classification: Likely benign for DNM1-related condition. Last evaluated: 2024-11-27. Review status: criteria provided, single submitter. Criteria: ACMG Guidelines, 2015. Collection method: clinical testing. Allele origin: germline.
Comment: This variant is classified as likely benign based on ACMG/AMP sequence variant interpretation guidelines (Richards et al. 2015 PMID: 25741868, with internal and published modifications).

CeGaT Center for Human Genetics Tuebingen
Classification: Likely benign. Last evaluated: 2022-12-01. Review status: criteria provided, single submitter. Criteria: CeGaT Center For Human Genetics Tuebingen Variant Classification Criteria Version 2. Collection method: clinical testing. Allele origin: germline. Affected: yes. Observed: 2 variant alleles.
Comment: DNM1: BS1

GeneDx
Classification: Likely benign. Last evaluated: 2021-01-09. Review status: criteria provided, single submitter. Criteria: GeneDx Variant Classification Process June 2021. Collection method: clinical testing. Allele origin: germline. Affected: yes.

Athena Diagnostics
Classification: Likely benign. Last evaluated: 2017-06-26. Review status: criteria provided, single submitter. Criteria: Athena Diagnostics Criteria. Collection method: clinical testing. Allele origin: germline.

NM_004408.4(DNM1):c.1782-9A>G

Gene: DNM1 (dynamin 1; plus strand). Cytogenetic location: 9q34.11.
Variant type: single nucleotide variant.
Coding change: c.1782-9A>G on transcript NM_004408.4 (MANE Select); 9 bases into the intron before coding-DNA position 1782, A replaced by G.
Molecular consequence: intron variant.
Genome position (GRCh38, 1-based): chr9:128,247,366, A>G. VCF-style: chr9-128247366-A-G. GRCh37 (hg19) VCF-style: chr9-131009645-A-G.
Other names: c.1782-9A>G (NM_001005336.3, NM_001288738.2, NM_001288737.2 and 1 more transcripts).
Identifiers: ClinVar variation 390291 (VCV000390291.38), dbSNP rs201739236, ClinGen allele CA5258336.